The following is an entry in ClinVar:

NM_015175.3(NBEAL2):c.4526A>G (p.Lys1509Arg)

Gene: NBEAL2 (neurobeachin like 2; plus strand). Cytogenetic location: 3p21.31.
Variant type: single nucleotide variant.
Coding change: c.4526A>G on transcript NM_015175.3 (MANE Select); coding-DNA position 4526, A replaced by G.
Protein change: p.Lys1509Arg; replaces lysine 1509 with arginine.
Molecular consequence: missense variant.
Genome position (GRCh38, 1-based): chr3:47,001,320, A>G. VCF-style: chr3-47001320-A-G. GRCh37 (hg19) VCF-style: chr3-47042810-A-G.
Other names: c.4424A>G, p.Lys1475Arg (NM_001365116.2); short protein forms K1475R, K1509R.
Identifiers: ClinVar variation 1027951 (VCV001027951.2), dbSNP rs2036970287, ClinGen allele CA352518772.

ClinVar aggregate classification (germline): Uncertain significance. Review status: criteria provided, single submitter (1 of 4 stars). 2 submissions from 2 submitters: Uncertain significance (1). 1 of the submissions does not count toward it. Last evaluated 2019-04-10.

Conditions:
Gray platelet syndrome (GPS). Also called: BLEEDING DISORDER, PLATELET-TYPE, 4. Identifiers: Orphanet 721, MedGen C0272302, MONDO:0007686, OMIM 139090.

Allele frequency attached by ClinVar (database versions not stated): gnomAD exomes below 0.00001.
gnomAD v4.1: 3 of 1,612,838 alleles (0.00019%); highest among the groups gnomAD compares: Non-Finnish European, 0.00025%; no homozygotes.

Submissions (2):

Baylor Genetics
Classification: Uncertain significance for Gray platelet syndrome. Last evaluated: 2019-04-10. Review status: criteria provided, single submitter. Criteria: ACMG Guidelines, 2015. Collection method: clinical testing. Allele origin: maternal. Affected: yes.
Comment: This variant was determined to be of uncertain significance according to ACMG Guidelines, 2015 [PMID:25741868].

Zotz-Klimas Genetics Lab, MVZ Zotz Klimas
Classification: Uncertain significance for Gray platelet syndrome. Last evaluated: 2023-10-09. Review status: no assertion criteria provided. Collection method: clinical testing. Allele origin: germline. Affected: yes. Not counted in ClinVar's aggregate classification.